The following is an entry in ClinVar:

NM_024426.6(WT1):c.1035G>A (p.Glu345=)

Gene: WT1 (WT1 transcription factor; minus strand). Cytogenetic location: 11p13.
Variant type: single nucleotide variant.
Coding change: c.1035G>A on transcript NM_024426.6 (MANE Select); coding-DNA position 1035, G replaced by A.
Protein change: p.Glu345=; no amino-acid change (glutamic acid 345 retained).
Molecular consequence: synonymous variant. On other transcripts: 5 prime UTR variant (1), non-coding transcript variant (2).
Genome position (GRCh38, 1-based): chr11:32,400,026, C>T on the plus strand (G>A on the coding strand, the complement: WT1 is on the minus strand). VCF-style: chr11-32400026-C-T. GRCh37 (hg19) VCF-style: chr11-32421572-C-T.
Other names: c.984G>A, p.Glu328= (NM_000378.6, NM_001407045.1, NM_001407048.1 and 1 more transcripts); c.384G>A, p.Glu128= (NM_001198551.2); c.333G>A, p.Glu111= (NM_001198552.2); c.-154G>A (NM_001367854.1); c.1029G>A, p.Glu343= (NM_001407044.1); c.1035G>A, p.Glu345= (NM_001407046.1, NM_024424.5); c.912G>A, p.Glu304= (NM_001407047.1); c.861G>A, p.Glu287= (NM_001407050.1); and 2 more.
Identifiers: ClinVar variation 543162 (VCV000543162.15), dbSNP rs757962229, ClinGen allele CA064061.

ClinVar aggregate classification (germline): Likely benign. Review status: criteria provided, multiple submitters, no conflicts (2 of 4 stars). 4 submissions from 4 submitters: Likely benign (4). Last evaluated 2025-07-30.

Conditions:
Inborn genetic diseases. Identifiers: MedGen C0950123, MeSH D030342.
Hereditary cancer-predisposing syndrome. Also called: Neoplastic Syndromes, Hereditary; Hereditary Cancer Syndrome; Hereditary neoplastic syndrome; Tumor predisposition. Identifiers: Orphanet 140162, MedGen C0027672, MeSH D009386, MONDO:0015356.
Wilms tumor 1 (WT1). Also called: Wilms tumor, somatic. Identifiers: Orphanet 654, MedGen CN033288, MONDO:0008679, OMIM 194070.
11p partial monosomy syndrome (WAGR). Also called: CHROMOSOME 11p13 DELETION SYNDROME; WAGR Spectrum Disorder; WAGR syndrome; WAGR Complex. Identifiers: Orphanet 893, MedGen C0206115, MONDO:0008681, OMIM 194072.
Frasier syndrome. Identifiers: Orphanet 347, MedGen C0950122, MeSH D052159, MONDO:0007635, OMIM 136680.
Drash syndrome (DDS). Also called: NEPHROPATHY, WILMS TUMOR, AND GENITAL ANOMALIES; WILMS TUMOR AND PSEUDO- OR TRUE HERMAPHRODITISM. Identifiers: Orphanet 220, MedGen C0950121, MONDO:0008682, OMIM 194080.

Allele frequency attached by ClinVar (database versions not stated): gnomAD exomes below 0.00001; ExAC 0.00001; gnomAD 0.00001; TOPMed 0.00001.
gnomAD v4.1: 4 of 1,614,104 alleles (0.00025%); highest among the groups gnomAD compares: East Asian, 0.0022%; no homozygotes.

Submissions (4):

Labcorp Genetics (formerly Invitae), Labcorp
Classification: Likely benign for Wilms tumor 1; Drash syndrome; 11p partial monosomy syndrome; Frasier syndrome. Last evaluated: 2025-07-30. Review status: criteria provided, single submitter. Criteria: Invitae Variant Classification Sherloc (09022015). Collection method: clinical testing. Allele origin: germline.

Ambry Genetics
Classification: Likely benign for Inborn genetic diseases. Last evaluated: 2025-03-22. Review status: criteria provided, single submitter. Criteria: Ambry Variant Classification Scheme 2023. Collection method: clinical testing. Allele origin: germline.

All of Us Research Program, National Institutes of Health
Classification: Likely benign for Wilms tumor 1. Last evaluated: 2023-06-26. Review status: criteria provided, single submitter. Criteria: ACMG Guidelines, 2015. Collection method: clinical testing. Allele origin: germline. Inheritance: Autosomal dominant inheritance. Observed: 1 variant allele, 1 heterozygote.
Comment: This study involves interpretation of variants in research participants for the purpose of population health screening. Participant phenotype was not available at the time of variant classification. Additional details can be found in publication PMID: 35346344, PMCID: PMC8962531

Sema4
Classification: Likely benign for Hereditary cancer-predisposing syndrome. Last evaluated: 2021-07-08. Review status: criteria provided, single submitter. Criteria: Sema4 Curation Guidelines. Collection method: curation. Allele origin: germline.